The following is an entry in ClinVar:

ClinVar aggregate classification (germline): Uncertain significance. Review status: criteria provided, multiple submitters, no conflicts (2 of 4 stars). 2 submissions from 2 submitters: Uncertain significance (2). Last evaluated 2023-08-19.

Allele frequency attached by ClinVar (database versions not stated): TOPMed below 0.00001; ExAC 0.00001.
gnomAD v4.1: 5 of 1,613,964 alleles (0.00031%); highest among the groups gnomAD compares: East Asian, 0.0022%; no homozygotes.

Submissions (2):

Labcorp Genetics (formerly Invitae), Labcorp
Classification: Uncertain significance. Last evaluated: 2023-08-19. Review status: criteria provided, single submitter. Criteria: Invitae Variant Classification Sherloc (09022015). Collection method: clinical testing. Allele origin: germline.
Comment: ClinVar contains an entry for this variant (Variation ID: 1803480). This variant has not been reported in the literature in individuals affected with CAPN1-related conditions. This variant is present in population databases (rs774294316, gnomAD 0.003%). This sequence change replaces proline, which is neutral and non-polar, with leucine, which is neutral and non-polar, at codon 136 of the CAPN1 protein (p.Pro136Leu). Advanced modeling of protein sequence and biophysical properties (such as structural, functional, and spatial information, amino acid conservation, physicochemical variation, residue mobility, and thermodynamic stability) performed at Invitae indicates that this missense variant is expected to disrupt CAPN1 protein function. In summary, the available evidence is currently insufficient to determine the role of this variant in disease. Therefore, it has been classified as a Variant of Uncertain Significance.

GeneDx
Classification: Uncertain significance. Last evaluated: 2022-06-10. Review status: criteria provided, single submitter. Criteria: GeneDx Variant Classification Process June 2021. Collection method: clinical testing. Allele origin: germline. Affected: yes.
Comment: Not observed at significant frequency in large population cohorts (gnomAD); In silico analysis supports that this missense variant has a deleterious effect on protein structure/function; Has not been previously published as pathogenic or benign to our knowledge

NM_005186.4(CAPN1):c.407C>T (p.Pro136Leu)

Gene: CAPN1 (calpain 1; plus strand). Cytogenetic location: 11q13.1.
Variant type: single nucleotide variant.
Coding change: c.407C>T on transcript NM_005186.4 (MANE Select); coding-DNA position 407, C replaced by T.
Protein change: p.Pro136Leu; replaces proline 136 with leucine.
Molecular consequence: missense variant. On other transcripts: non-coding transcript variant (1).
Genome position (GRCh38, 1-based): chr11:65,183,543, C>T. VCF-style: chr11-65183543-C-T. GRCh37 (hg19) VCF-style: chr11-64951014-C-T.
Other names: c.407C>T, p.Pro136Leu (NM_001198868.2, NM_001198869.2); c.245C>T, p.Pro82Leu (NM_001198870.1); short protein forms P136L, P82L.
Identifiers: ClinVar variation 1803480 (VCV001803480.4), dbSNP rs774294316, ClinGen allele CA6093072.
Genomic context (GRCh38, chr11:65,183,543, plus strand): 5'-GGCTCTTGGCGGCCATCGCCTCCCTCACTCTCAACGACACCCTCCTGCACCGAGTGGTTC[C>T]GCACGGCCAGAGCTTCCAGAATGGCTATGCCGGCATCTTCCATTTCCAGGTGAGGGCTCC-3'
Protein context (NP_005177.2, residues 126-146): LNDTLLHRVV[Pro136Leu]HGQSFQNGYA